The following is an entry in ClinVar:

NC_000017.10:g.(?_29575992)_(29656858_?)del

Genes: EVI2A (ecotropic viral integration site 2A; minus strand), EVI2B (ecotropic viral integration site 2B; minus strand), NF1 (neurofibromin 1; plus strand), OMG (oligodendrocyte myelin glycoprotein; minus strand). Cytogenetic location: 17q11.2.
Variant type: Deletion.
Identifiers: ClinVar variation 3242862 (VCV003242862.1).

ClinVar aggregate classification (germline): Pathogenic (1 of 4 stars; one submission).

Conditions:
Neurofibromatosis, type 1 (NF1). Also called: VON RECKLINGHAUSEN DISEASE; Neurofibromatosis, type I; Peripheral type neurofibromatosis; NEUROFIBROMATOSIS, TYPE I, SOMATIC. Identifiers: Orphanet 636, MedGen C0027831, MONDO:0018975, OMIM 162200. Disease mechanism: loss of function.

Submission:

Labcorp Genetics (formerly Invitae), Labcorp
Classification: Pathogenic for Neurofibromatosis, type 1. Last evaluated: 2023-08-03. Review status: criteria provided, single submitter. Criteria: Invitae Variant Classification Sherloc (09022015). Collection method: clinical testing. Allele origin: unknown.
Comment: For these reasons, this variant has been classified as Pathogenic. This variant disrupts a region of the NF1 protein in which other variant(s) (p.Leu1339Arg) have been determined to be pathogenic (PMID: 27322474). This suggests that this is a clinically significant region of the protein, and that variants that disrupt it are likely to be disease-causing. This variant has not been reported in the literature in individuals affected with NF1-related conditions. This variant is a gross deletion of the genomic region encompassing exon(s) 30-37 of the NF1 gene. This variant would be expected to be in-frame, preserving the integrity of the reading frame.

Literature cited by the submitters: PubMed 27322474.